The following is an entry in ClinVar:

NM_004446.3(EPRS1):c.34G>A (p.Asp12Asn)

Genes: EPRS1 (glutamyl-prolyl-tRNA synthetase 1; minus strand), LOC129932524 (ATAC-STARR-seq lymphoblastoid active region 2551; plus strand). Cytogenetic location: 1q41.
Variant type: single nucleotide variant.
Coding change: c.34G>A on transcript NM_004446.3 (MANE Select); coding-DNA position 34, G replaced by A.
Protein change: p.Asp12Asn; replaces aspartic acid 12 with asparagine.
Molecular consequence: missense variant.
Genome position (GRCh38, 1-based): chr1:220,046,355, C>T on the plus strand (G>A on the coding strand, the complement: EPRS1 is on the minus strand). VCF-style: chr1-220046355-C-T. GRCh37 (hg19) VCF-style: chr1-220219697-C-T.
Other names: short protein forms D12N.
Identifiers: ClinVar variation 3509600 (VCV003509600.3).
Genomic context (GRCh38, chr1:220,046,355, plus strand): 5'-CTCCCTGGCTGATGCAACCCACACAGGTCATTGGTCTCGGCCCCTTACCTAGCGGAGGGT[C>T]TCCTGAATTCACGGTCAGAGAGAGCGTCGCCATCTCCACCAGTCCGCTGGTCCACCTGTC-3'
Protein context (NP_004437.2, residues 2-22): ATLSLTVNSG[Asp12Asn]PPLGALLAVE

ClinVar aggregate classification (germline): Uncertain significance. Review status: criteria provided, multiple submitters, no conflicts (2 of 4 stars). 2 submissions from 2 submitters: Uncertain significance (2). Last evaluated 2024-09-27.

Conditions:
Inborn genetic diseases. Identifiers: MedGen C0950123, MeSH D030342.

gnomAD v4.1: 25 of 1,614,148 alleles (0.0015%); highest among the groups gnomAD compares: East Asian, 0.051%; no homozygotes.

Submissions (2):

Ambry Genetics
Classification: Uncertain significance for Inborn genetic diseases. Last evaluated: 2024-09-27. Review status: criteria provided, single submitter. Criteria: Ambry Variant Classification Scheme 2023. Collection method: clinical testing. Allele origin: germline.

Labcorp Genetics (formerly Invitae), Labcorp
Classification: Uncertain significance. Last evaluated: 2024-05-15. Review status: criteria provided, single submitter. Criteria: Invitae Variant Classification Sherloc (09022015). Collection method: clinical testing. Allele origin: germline.
Comment: This sequence change replaces aspartic acid, which is acidic and polar, with asparagine, which is neutral and polar, at codon 12 of the EPRS protein (p.Asp12Asn). This variant is present in population databases (rs201641265, gnomAD 0.03%). This variant has not been reported in the literature in individuals affected with EPRS-related conditions. Algorithms developed to predict the effect of missense changes on protein structure and function output the following: SIFT: "Not Available"; PolyPhen-2: "Benign"; Align-GVGD: "Not Available". The asparagine amino acid residue is found in multiple mammalian species, which suggests that this missense change does not adversely affect protein function. In summary, the available evidence is currently insufficient to determine the role of this variant in disease. Therefore, it has been classified as a Variant of Uncertain Significance.